The following is an entry in ClinVar:

NM_000484.4(APP):c.976G>A (p.Gly326Ser)

Gene: APP (amyloid beta precursor protein; minus strand). Cytogenetic location: 21q21.3.
Variant type: single nucleotide variant.
Coding change: c.976G>A on transcript NM_000484.4 (MANE Select); coding-DNA position 976, G replaced by A.
Protein change: p.Gly326Ser; replaces glycine 326 with serine.
Molecular consequence: missense variant. On other transcripts: intron variant (5).
Genome position (GRCh38, 1-based): chr21:26,000,072, C>T on the plus strand (G>A on the coding strand, the complement: APP is on the minus strand). VCF-style: chr21-26000072-C-T. GRCh37 (hg19) VCF-style: chr21-27372387-C-T.
Other names: c.961G>A, p.Gly321Ser (NM_001136016.3); c.808G>A, p.Gly270Ser (NM_001136130.3); c.976G>A, p.Gly326Ser (NM_001204301.2, NM_001204302.2, NM_201413.3); c.761-17595G>A (NM_001136131.3); c.698-17595G>A (NM_001136129.3); c.866-17595G>A (NM_001204303.2, NM_201414.3); c.866-2656G>A (NM_001385253.1); short protein forms G326S, G270S, G321S.
Identifiers: ClinVar variation 2106465 (VCV002106465.5), dbSNP rs754207226, ClinGen allele CA9987484.
Genomic context (GRCh38, chr21:26,000,072, plus strand): 5'-TACTGGCGCTGCCACACACGGCCATGCAGTACTCTTCTGTGTCAAAGTTGTTCCGGTTGC[C>T]GCCACATCCGCCGTAAAAGAATGGGGCACACTTCCCTTCAGTCACATCAAAGTACCAGCG-3'
Protein context (NP_000475.1, residues 316-336): CAPFFYGGCG[Gly326Ser]NRNNFDTEEY

ClinVar aggregate classification (germline): Uncertain significance. Review status: criteria provided, multiple submitters, no conflicts (2 of 4 stars). 2 submissions from 2 submitters: Uncertain significance (2). Last evaluated 2026-06-11.

Conditions:
Alzheimer disease. Also called: Alzheimer's disease; Presenile and senile dementia. Identifiers: Orphanet 1020, MedGen C0002395, MeSH D000544, MONDO:0004975, HP:0002511.

Allele frequency attached by ClinVar (database versions not stated): gnomAD 0.00001; TOPMed 0.00001; gnomAD exomes 0.00002; ExAC 0.00004.
gnomAD v4.1: 28 of 1,613,980 alleles (0.0017%); highest among the groups gnomAD compares: Non-Finnish European, 0.0023%; no homozygotes.

Submissions (2):

Women's Health and Genetics/Laboratory Corporation of America, LabCorp
Classification: Uncertain significance. Last evaluated: 2026-06-11. Review status: criteria provided, single submitter. Criteria: LabCorp Variant Classification Summary - May 2015. Collection method: clinical testing. Allele origin: germline.
Comment: Variant summary: APP c.976G>A (p.Gly326Ser) results in a non-conservative amino acid change in the encoded protein sequence. Algorithms developed to predict the effect of missense changes on protein structure and function all suggest that this variant is likely to be disruptive. The variant allele was found at a frequency of 2.4e-05 in 251284 control chromosomes (gnomAD). The available data on variant occurrences in the general population are insufficient to allow any conclusion about variant significance. c.976G>A has been observed in an individual(s) affected with features of APP-related conditions (Dunn_2022). This report does not provide unequivocal conclusions about association of the variant with disease. To our knowledge, no experimental evidence demonstrating an impact on protein function has been reported. The following publication has been ascertained in the context of this evaluation (PMID: 36175824). ClinVar contains an entry for this variant (Variation ID: 2106465). Based on the evidence outlined above, the variant was classified as uncertain significance.

Labcorp Genetics (formerly Invitae), Labcorp
Classification: Uncertain significance for Alzheimer disease. Last evaluated: 2025-08-04. Review status: criteria provided, single submitter. Criteria: Invitae Variant Classification Sherloc (09022015). Collection method: clinical testing. Allele origin: germline.
Comment: This sequence change replaces glycine, which is neutral and non-polar, with serine, which is neutral and polar, at codon 326 of the APP protein (p.Gly326Ser). This variant is present in population databases (rs754207226, gnomAD 0.005%). This missense change has been observed in individual(s) with clinical features of APP-related conditions (PMID: 36175824). ClinVar contains an entry for this variant (Variation ID: 2106465). Invitae Evidence Modeling of protein sequence and biophysical properties (such as structural, functional, and spatial information, amino acid conservation, physicochemical variation, residue mobility, and thermodynamic stability) indicates that this missense variant is not expected to disrupt APP protein function with a negative predictive value of 95%. In summary, the available evidence is currently insufficient to determine the role of this variant in disease. Therefore, it has been classified as a Variant of Uncertain Significance.

Literature cited by the submitters: PubMed 36175824 (cited by Women's Health and Genetics/Laboratory Corporation of America, LabCorp and Labcorp Genetics (formerly Invitae), Labcorp).